The following is an entry in ClinVar:

ClinVar aggregate classification (germline): Uncertain significance (1 of 4 stars; one submission).

Submission:

Labcorp Genetics (formerly Invitae), Labcorp
Classification: Uncertain significance. Last evaluated: 2022-08-22. Review status: criteria provided, single submitter. Criteria: Invitae Variant Classification Sherloc (09022015). Collection method: clinical testing. Allele origin: germline.
Comment: In summary, the available evidence is currently insufficient to determine the role of this variant in disease. Therefore, it has been classified as a Variant of Uncertain Significance. Algorithms developed to predict the effect of missense changes on protein structure and function are either unavailable or do not agree on the potential impact of this missense change (SIFT: "Deleterious"; PolyPhen-2: "Benign"; Align-GVGD: "Class C0"). This variant has not been reported in the literature in individuals affected with DSCAML1-related conditions. This variant is not present in population databases (gnomAD no frequency). This sequence change replaces glycine, which is neutral and non-polar, with serine, which is neutral and polar, at codon 1712 of the DSCAML1 protein (p.Gly1712Ser).

NM_020693.4(DSCAML1):c.4954G>A (p.Gly1652Ser)

Gene: DSCAML1 (DS cell adhesion molecule like 1; minus strand). Cytogenetic location: 11q23.3.
Variant type: single nucleotide variant.
Coding change: c.4954G>A on transcript NM_020693.4 (MANE Select); coding-DNA position 4954, G replaced by A.
Protein change: p.Gly1652Ser; replaces glycine 1652 with serine.
Molecular consequence: missense variant.
Genome position (GRCh38, 1-based): chr11:117,433,210, C>T on the plus strand (G>A on the coding strand, the complement: DSCAML1 is on the minus strand). VCF-style: chr11-117433210-C-T. GRCh37 (hg19) VCF-style: chr11-117303926-C-T.
Other names: short protein forms G1652S.
Identifiers: ClinVar variation 2007454 (VCV002007454.4), dbSNP rs2542976417, ClinGen allele CA382756292.